The following is an entry in ClinVar:

ClinVar aggregate classification (germline): Pathogenic. Review status: criteria provided, multiple submitters, no conflicts (2 of 4 stars). 2 submissions from 2 submitters: Pathogenic (2). Last evaluated 2023-09-12.

Conditions:
Familial cancer of breast. Also called: hereditary breast carcinoma; BREAST CANCER, FAMILIAL; Hereditary breast cancer. Identifiers: Orphanet 227535, MedGen C0346153, MONDO:0016419, OMIM 114480. Disease mechanism: loss of function.

Submissions (2):

Myriad Genetics, Inc.
Classification: Pathogenic for Familial cancer of breast. Last evaluated: 2023-09-12. Review status: criteria provided, single submitter. Criteria: Myriad Autosomal Dominant, Autosomal Recessive and X-Linked Classification Criteria (2023). Collection method: clinical testing. Allele origin: unknown.
Comment: This variant is considered pathogenic. This variant creates a frameshift predicted to result in premature protein truncation.

Labcorp Genetics (formerly Invitae), Labcorp
Classification: Pathogenic for Familial cancer of breast. Last evaluated: 2019-05-07. Review status: criteria provided, single submitter. Criteria: Invitae Variant Classification Sherloc (09022015). Collection method: clinical testing. Allele origin: germline.
Comment: For these reasons, this variant has been classified as Pathogenic. Loss-of-function variants in PALB2 are known to be pathogenic (PMID: 17200668, 24136930, 25099575). This variant has not been reported in the literature in individuals with PALB2-related conditions. This variant is not present in population databases (ExAC no frequency). This sequence change creates a premature translational stop signal (p.Ile730Serfs*2) in the PALB2 gene. It is expected to result in an absent or disrupted protein product.

Literature cited by the submitters: PubMed 17200668 (cited by Labcorp Genetics (formerly Invitae), Labcorp); PubMed 24136930 (cited by Labcorp Genetics (formerly Invitae), Labcorp); PubMed 25099575 (cited by Labcorp Genetics (formerly Invitae), Labcorp).

NM_024675.4(PALB2):c.2187del (p.Ile730fs)

Gene: PALB2 (partner and localizer of BRCA2; minus strand). Cytogenetic location: 16p12.2.
Variant type: Deletion.
Coding change: c.2187del on transcript NM_024675.4 (MANE Select); coding-DNA position 2187, one base deleted (C; older notation c.2187delC).
Protein change: p.Ile730fs; shifts the reading frame from isoleucine 730.
Molecular consequence: frameshift variant.
Genome position (GRCh38, 1-based): chr16:23,629,967, G deleted on the plus strand (C on the coding strand, the reverse complement: PALB2 is on the minus strand); the first of 4 consecutive G bases (chr16:23,629,967-23,629,970); deleting any one gives the same sequence. VCF-style (leftmost placement, unchanged base first): chr16-23629966-TG-T. GRCh37 (hg19) VCF-style: chr16-23641287-TG-T.
Other names: short protein forms I730fs.
Identifiers: ClinVar variation 945860 (VCV000945860.9), dbSNP rs1567217908, ClinGen allele CA1139664593.